The following is an entry in ClinVar:

NM_138694.4(PKHD1):c.7_19del (p.Ala3fs)

Gene: PKHD1 (PKHD1 ciliary IPT domain containing fibrocystin/polyductin; minus strand). Cytogenetic location: 6p12.2.
Variant type: Deletion.
Coding change: c.7_19del on transcript NM_138694.4 (MANE Select); coding-DNA positions 7 to 19, 13 bases deleted (GCCTGGCTGATCT).
Protein change: p.Ala3fs; shifts the reading frame from alanine 3.
Molecular consequence: frameshift variant.
Genome position (GRCh38, 1-based): chr6:52,084,915-52,084,927, AGATCAGCCAGGC deleted on the plus strand (GCCTGGCTGATCT on the coding strand, the reverse complement: PKHD1 is on the minus strand); deleting any 13 consecutive bases within chr6:52,084,915-52,084,929 gives the same sequence; the c. name uses the placement nearest the transcript's 3' end. VCF-style (leftmost placement, unchanged base first): chr6-52084914-GAGATCAGCCAGGC-G. GRCh37 (hg19) VCF-style: chr6-51949712-GAGATCAGCCAGGC-G.
Other names: c.7_19del, p.Ala3fs (NM_170724.3); c.7_19delGCCTGGCTGATCT (NM_138694.3); short protein forms A3fs.
Identifiers: ClinVar variation 2677857 (VCV002677857.2), dbSNP rs2533802006, ClinGen allele CA2695198877.

ClinVar aggregate classification (germline): Pathogenic. Review status: criteria provided, multiple submitters, no conflicts (2 of 4 stars). 2 submissions from 2 submitters: Pathogenic (2). Last evaluated 2025-11-10.

Conditions:
Polycystic kidney disease 4 (PKD4). Also called: POLYCYSTIC KIDNEY AND HEPATIC DISEASE 1; POLYCYSTIC KIDNEY DISEASE, INFANTILE, TYPE I; PKD3; POLYCYSTIC KIDNEY DISEASE 4 WITH OR WITHOUT POLYCYSTIC LIVER DISEASE; Autosomal Recessive Polycystic Kidney Disease – PKHD1. Identifiers: MedGen C4540575, MONDO:0033004, OMIM 263200.
Autosomal recessive polycystic kidney disease (ARPKD). Also called: AR polycystic kidney disease. Identifiers: Orphanet 731, Orphanet 8378, MedGen C0085548, MeSH D017044, MONDO:0009889.

Submissions (2):

Natera, Inc.
Classification: Pathogenic for Autosomal recessive polycystic kidney disease. Last evaluated: 2025-11-10. Review status: criteria provided, single submitter. Criteria: Natera Variant Classification Schema (03/2026). Collection method: clinical testing. Allele origin: germline.
Comment: The c.7_19delGCCTGGCTGATCT variant in PKHD1 is a frameshift variant predicted to shift the reading frame beginning at codon 3 and leads to a stop codon 2 codons downstream. This variant is expected to result in nonsense mediated decay, truncation, or a dysfunctional protein product. This variant is rare in the general population with a frequency below the threshold expected for the associated phenotype(s). This variant has been observed in one or more individuals affected with the associated recessive disease, as either homozygous or compound heterozygous with a second variant (PMID: 19940839). Given the available evidence, this variant is classified as Pathogenic.

Baylor Genetics
Classification: Pathogenic for Polycystic kidney disease 4. Last evaluated: 2022-11-17. Review status: criteria provided, single submitter. Criteria: ACMG Guidelines, 2015. Collection method: clinical testing. Allele origin: unknown.

Literature cited by the submitters: PubMed 19940839 (cited by Natera, Inc.).